The following is an entry in ClinVar:

NM_001356.5(DDX3X):c.152G>A (p.Gly51Asp)

Gene: DDX3X (DEAD-box helicase 3 X-linked; plus strand). Cytogenetic location: Xp11.4.
Variant type: single nucleotide variant.
Coding change: c.152G>A on transcript NM_001356.5 (MANE Select); coding-DNA position 152, G replaced by A.
Protein change: p.Gly51Asp; replaces glycine 51 with aspartic acid.
Molecular consequence: missense variant. On other transcripts: 5 prime UTR variant (1), non-coding transcript variant (1).
Genome position (GRCh38, 1-based): chrX:41,341,484, G>A. VCF-style: chrX-41341484-G-A. GRCh37 (hg19) VCF-style: chrX-41200737-G-A.
Other names: c.152G>A, p.Gly51Asp (NM_001193416.3); c.104G>A, p.Ser35Asn (NM_001193417.3); c.-407G>A (NM_001363819.1); short protein forms G51D, S35N.
Identifiers: ClinVar variation 1804210 (VCV001804210.1), dbSNP rs1263310293, ClinGen allele CA412764630.
Genomic context (GRCh38, chrX:41,341,484, plus strand): 5'-CTTAACATGGTTCCTATTTCTAATTAATAATAAAATGTATTTGTGCTTTTTTAATCAAAG[G>A]TTTCTACGATAAAGACAGTTCAGGGTGGAGTTCTAGCAAAGATAAGGATGCGTATAGCAG-3'
Protein context (NP_001347.3, residues 41-61): PHLRNREATK[Gly51Asp]FYDKDSSGWS

ClinVar aggregate classification (germline): Uncertain significance (1 of 4 stars; one submission).

Allele frequency attached by ClinVar (database versions not stated): gnomAD exomes below 0.00001.
gnomAD v4.1: 2 of 1,196,695 alleles (0.00017%); highest among the groups gnomAD compares: Admixed American, 0.0044%; no homozygotes.

Submission:

GeneDx
Classification: Uncertain significance. Last evaluated: 2022-06-10. Review status: criteria provided, single submitter. Criteria: GeneDx Variant Classification Process June 2021. Collection method: clinical testing. Allele origin: germline. Affected: yes.
Comment: In silico analysis supports that this missense variant does not alter protein structure/function; Has not been previously published as pathogenic or benign to our knowledge